The following is an entry in ClinVar:

ClinVar aggregate classification (germline): Uncertain significance (1 of 4 stars; one submission).

Conditions:
Mucopolysaccharidosis, MPS-IV-A (MPS4A). Also called: Morquio syndrome A, mild; MORQUIO SYNDROME A; GALACTOSAMINE-6-SULFATASE DEFICIENCY; GALNS DEFICIENCY; MORQUIO A DISEASE; Mucopolysaccharidosis type IV A. Identifiers: Orphanet 309297, Orphanet 582, MedGen C0086651, MONDO:0009659, OMIM 253000.

Allele frequency attached by ClinVar (database versions not stated): ExAC 0.00009.
gnomAD v4.1: 11 of 1,563,550 alleles (0.0007%); highest among the groups gnomAD compares: Non-Finnish European, 0.00087%; no homozygotes.

Submission:

Labcorp Genetics (formerly Invitae), Labcorp
Classification: Uncertain significance for Mucopolysaccharidosis, MPS-IV-A. Last evaluated: 2025-05-12. Review status: criteria provided, single submitter. Criteria: Invitae Variant Classification Sherloc (09022015). Collection method: clinical testing. Allele origin: germline.
Comment: This sequence change replaces proline, which is neutral and non-polar, with alanine, which is neutral and non-polar, at codon 511 of the GALNS protein (p.Pro511Ala). This variant is present in population databases (rs530773540, gnomAD 0.004%). This variant has not been reported in the literature in individuals affected with GALNS-related conditions. ClinVar contains an entry for this variant (Variation ID: 2045732). Invitae Evidence Modeling of protein sequence and biophysical properties (such as structural, functional, and spatial information, amino acid conservation, physicochemical variation, residue mobility, and thermodynamic stability) has been performed for this missense variant. However, the output from this modeling did not meet the statistical confidence thresholds required to predict the impact of this variant on GALNS protein function. In summary, the available evidence is currently insufficient to determine the role of this variant in disease. Therefore, it has been classified as a Variant of Uncertain Significance.

NM_000512.5(GALNS):c.1531C>G (p.Pro511Ala)

Gene: GALNS (galactosamine (N-acetyl)-6-sulfatase; minus strand). Cytogenetic location: 16q24.3.
Variant type: single nucleotide variant.
Coding change: c.1531C>G on transcript NM_000512.5 (MANE Select); coding-DNA position 1531, C replaced by G.
Protein change: p.Pro511Ala; replaces proline 511 with alanine.
Molecular consequence: missense variant.
Genome position (GRCh38, 1-based): chr16:88,814,477, G>C on the plus strand (C>G on the coding strand, the complement: GALNS is on the minus strand). VCF-style: chr16-88814477-G-C. GRCh37 (hg19) VCF-style: chr16-88880885-G-C.
Other names: c.976C>G, p.Pro326Ala (NM_001323543.2); c.1549C>G, p.Pro517Ala (NM_001323544.2); short protein forms P511A, P517A, P326A.
Identifiers: ClinVar variation 2045732 (VCV002045732.2), dbSNP rs530773540, ClinGen allele CA8234636.